The following is an entry in ClinVar:

ClinVar aggregate classification (germline): Uncertain significance (1 of 4 stars; one submission).

gnomAD v4.1: 4 of 1,614,194 alleles (0.00025%); highest among the groups gnomAD compares: Non-Finnish European, 0.00025%; no homozygotes.

Submission:

Women's Health and Genetics/Laboratory Corporation of America, LabCorp
Classification: Uncertain significance. Last evaluated: 2025-11-28. Review status: criteria provided, single submitter. Criteria: LabCorp Variant Classification Summary - May 2015. Collection method: clinical testing. Allele origin: germline.
Comment: Variant summary: SNRNP200 c.3283A>G (p.Ile1095Val) results in a conservative amino acid change in the encoded protein sequence. Algorithms developed to predict the effect of missense changes on protein structure and function are either unavailable or do not agree on the potential impact of this missense change. The frequency data for this variant in gnomAD is considered unreliable, as metrics indicate poor data quality at this position. To our knowledge, no occurrence of c.3283A>G in individuals affected with SNRNP200-related conditions and no experimental evidence demonstrating its impact on protein function have been reported. No submitters have cited clinical-significance assessments for this variant to ClinVar. Based on the evidence outlined above, the variant was classified as uncertain significance.

NM_014014.5(SNRNP200):c.3283A>G (p.Ile1095Val)

Gene: SNRNP200 (small nuclear ribonucleoprotein U5 subunit 200; minus strand). Cytogenetic location: 2q11.2.
Variant type: single nucleotide variant.
Coding change: c.3283A>G on transcript NM_014014.5 (MANE Select); coding-DNA position 3283, A replaced by G.
Protein change: p.Ile1095Val; replaces isoleucine 1095 with valine.
Molecular consequence: missense variant.
Genome position (GRCh38, 1-based): chr2:96,287,945, T>C on the plus strand (A>G on the coding strand, the complement: SNRNP200 is on the minus strand). VCF-style: chr2-96287945-T-C. GRCh37 (hg19) VCF-style: chr2-96953683-T-C.
Other names: short protein forms I1095V.
Identifiers: ClinVar variation 4536684 (VCV004536684.1).